The following is an entry in ClinVar:

ClinVar aggregate classification (germline): Uncertain significance (1 of 4 stars; one submission).

gnomAD v4.1: 46 of 1,611,836 alleles (0.0029%); highest among the groups gnomAD compares: African/African-American, 0.033%; no homozygotes.

Submission:

Labcorp Genetics (formerly Invitae), Labcorp
Classification: Uncertain significance. Last evaluated: 2024-03-03. Review status: criteria provided, single submitter. Criteria: Invitae Variant Classification Sherloc (09022015). Collection method: clinical testing. Allele origin: germline.
Comment: This sequence change replaces arginine, which is basic and polar, with cysteine, which is neutral and slightly polar, at codon 790 of the CEP135 protein (p.Arg790Cys). This variant is present in population databases (rs138305619, gnomAD 0.04%). This variant has not been reported in the literature in individuals affected with CEP135-related conditions. Algorithms developed to predict the effect of missense changes on protein structure and function output the following: SIFT: "Not Available"; PolyPhen-2: "Benign"; Align-GVGD: "Not Available". The cysteine amino acid residue is found in multiple mammalian species, which suggests that this missense change does not adversely affect protein function. In summary, the available evidence is currently insufficient to determine the role of this variant in disease. Therefore, it has been classified as a Variant of Uncertain Significance.

NM_025009.5(CEP135):c.2368C>T (p.Arg790Cys)

Gene: CEP135 (centrosomal protein 135; plus strand). Cytogenetic location: 4q12.
Variant type: single nucleotide variant.
Coding change: c.2368C>T on transcript NM_025009.5 (MANE Select); coding-DNA position 2368, C replaced by T.
Protein change: p.Arg790Cys; replaces arginine 790 with cysteine.
Molecular consequence: missense variant.
Genome position (GRCh38, 1-based): chr4:56,009,766, C>T. VCF-style: chr4-56009766-C-T. GRCh37 (hg19) VCF-style: chr4-56875932-C-T.
Other names: short protein forms R790C.
Identifiers: ClinVar variation 3711081 (VCV003711081.2), dbSNP rs138305619.